The following is an entry in ClinVar:

ClinVar aggregate classification (germline): Conflicting classifications of pathogenicity. Review status: criteria provided, conflicting classifications (1 of 4 stars). 8 submissions from 8 submitters: Uncertain significance (6); Likely benign (1). 1 of the submissions does not count toward it. Last evaluated 2025-10-28.

Conditions:
Inborn genetic diseases. Identifiers: MedGen C0950123, MeSH D030342.

Allele frequency attached by ClinVar (database versions not stated): gnomAD 0.00003 and 0.00004; gnomAD exomes 0.00003 and 0.00004; TOPMed 0.00004; ExAC 0.00006.
gnomAD v4.1: 74 of 1,613,946 alleles (0.0046%); highest among the groups gnomAD compares: South Asian, 0.019%; no homozygotes.

Submissions (8):

Labcorp Genetics (formerly Invitae), Labcorp
Classification: Uncertain significance. Last evaluated: 2025-10-28. Review status: criteria provided, single submitter. Criteria: Invitae Variant Classification Sherloc (09022015). Collection method: clinical testing. Allele origin: germline.
Comment: This sequence change replaces glycine, which is neutral and non-polar, with arginine, which is basic and polar, at codon 474 of the COL4A1 protein (p.Gly474Arg). This variant is present in population databases (rs752346924, gnomAD 0.006%). This variant has not been reported in the literature in individuals affected with COL4A1-related conditions. ClinVar contains an entry for this variant (Variation ID: 1210063). Invitae Evidence Modeling of protein sequence and biophysical properties (such as structural, functional, and spatial information, amino acid conservation, physicochemical variation, residue mobility, and thermodynamic stability) has been performed for this missense variant. However, the output from this modeling did not meet the statistical confidence thresholds required to predict the impact of this variant on COL4A1 protein function. In summary, the available evidence is currently insufficient to determine the role of this variant in disease. Therefore, it has been classified as a Variant of Uncertain Significance.

Blueprint Genetics
Classification: Uncertain significance. Last evaluated: 2024-08-15. Review status: criteria provided, single submitter. Criteria: ACMG Guidelines, 2015. Collection method: clinical testing. Allele origin: germline.

CeGaT Center for Human Genetics Tuebingen
Classification: Uncertain significance. Last evaluated: 2024-08-01. Review status: criteria provided, single submitter. Criteria: CeGaT Center For Human Genetics Tuebingen Variant Classification Criteria Version 2. Collection method: clinical testing. Allele origin: germline. Affected: yes. Observed: 2 variant alleles.

Ambry Genetics
Classification: Uncertain significance for Inborn genetic diseases. Last evaluated: 2023-08-21. Review status: criteria provided, single submitter. Criteria: Ambry Variant Classification Scheme 2023. Collection method: clinical testing. Allele origin: germline.

Clinical Genetics Laboratory, Skane University Hospital Lund
Classification: Uncertain significance. Last evaluated: 2023-03-16. Review status: criteria provided, single submitter. Criteria: ACMG Guidelines, 2015. Collection method: clinical testing. Allele origin: germline. Affected: yes.

Revvity Omics, Revvity
Classification: Uncertain significance. Last evaluated: 2022-09-12. Review status: criteria provided, single submitter. Criteria: ACMG Guidelines, 2015. Collection method: clinical testing. Allele origin: germline.

GeneDx
Classification: Likely benign. Last evaluated: 2021-05-25. Review status: criteria provided, single submitter. Criteria: GeneDx Variant Classification Process June 2021. Collection method: clinical testing. Allele origin: germline. Affected: yes.
Comment: In silico analysis, which includes protein predictors and evolutionary conservation, supports a deleterious effect; Has not been previously published as pathogenic or benign to our knowledge

Clinical Genetics DNA and cytogenetics Diagnostics Lab, Erasmus MC, Erasmus Medical Center
Classification: Uncertain significance. Review status: no assertion criteria provided. Collection method: clinical testing. Allele origin: germline. Affected: yes. Study: VKGL Data-share Consensus. Not counted in ClinVar's aggregate classification.

NM_001845.6(COL4A1):c.1420G>A (p.Gly474Arg)

Gene: COL4A1 (collagen type IV alpha 1 chain; minus strand). Cytogenetic location: 13q34.
Variant type: single nucleotide variant.
Coding change: c.1420G>A on transcript NM_001845.6 (MANE Select); coding-DNA position 1420, G replaced by A.
Protein change: p.Gly474Arg; replaces glycine 474 with arginine.
Molecular consequence: missense variant.
Genome position (GRCh38, 1-based): chr13:110,192,875, C>T on the plus strand (G>A on the coding strand, the complement: COL4A1 is on the minus strand). VCF-style: chr13-110192875-C-T. GRCh37 (hg19) VCF-style: chr13-110845222-C-T.
Other names: c.1420G>A, p.Gly474Arg (NM_001303110.2); short protein forms G474R.
Identifiers: ClinVar variation 1210063 (VCV001210063.50), dbSNP rs752346924, ClinGen allele CA7047941.
Genomic context (GRCh38, chr13:110,192,875, plus strand): 5'-ACATGTGGGTCTTACCTATTTCTCCCGGGGGTCCCTGTGGCCCGGGAGGCCCCCGATATC[C>T]GTCTATATCACAGATGAGGCAACTCTCTCCTTTTTGACCTAAAAAAGAAAACACAAAGGT-3'
Protein context (NP_001836.3, residues 464-484): GESCLICDID[Gly474Arg]YRGPPGPQGP